The following is an entry in ClinVar:

NM_001323289.2(CDKL5):c.2409G>A (p.Thr803=)

Gene: CDKL5 (cyclin dependent kinase like 5; plus strand). Cytogenetic location: Xp22.13.
Variant type: single nucleotide variant.
Coding change: c.2409G>A on transcript NM_001323289.2 (MANE Select); coding-DNA position 2409, G replaced by A.
Protein change: p.Thr803=; no amino-acid change (threonine 803 retained).
Molecular consequence: synonymous variant.
Genome position (GRCh38, 1-based): chrX:18,625,160, G>A. VCF-style: chrX-18625160-G-A. GRCh37 (hg19) VCF-style: chrX-18643280-G-A.
Other names: p.T803T:ACG>ACA; c.2409G>A, p.Thr803= (NM_001037343.2, NM_003159.3).
Identifiers: ClinVar variation 136714 (VCV000136714.46), dbSNP rs145401225, ClinGen allele CA290026.

ClinVar aggregate classification (germline): Benign/Likely benign. Review status: criteria provided, multiple submitters, no conflicts (2 of 4 stars). 8 submissions from 8 submitters: Benign (5); Likely benign (3). Last evaluated 2026-04-20.

Conditions:
Inborn genetic diseases. Identifiers: MedGen C0950123, MeSH D030342.
Angelman syndrome-like. Identifiers: MedGen CN128785.
Developmental and epileptic encephalopathy, 2 (DEE2). Also called: CDKL5 deficiency disorder; INFANTILE SPASM SYNDROME, X-LINKED 2. Identifiers: Orphanet 1934, Orphanet 3451, Orphanet 505652, MedGen C4750718, MONDO:0010396, OMIM 300672.

Allele frequency attached by ClinVar (database versions not stated): gnomAD exomes 0.00034; ExAC 0.00038; 1000 Genomes Project 0.00079; 1000 Genomes Project 30x 0.00083; gnomAD 0.00092 and 0.00099; TOPMed 0.00102; ESP Exome Variant Server 0.00189.
gnomAD v4.1: 198 of 1,203,593 alleles (0.016%); highest among the groups gnomAD compares: African/African-American, 0.31%; no homozygotes.

Submissions (8):

Women's Health and Genetics/Laboratory Corporation of America, LabCorp
Classification: Likely benign. Last evaluated: 2026-04-20. Review status: criteria provided, single submitter. Criteria: LabCorp Variant Classification Summary - May 2015. Collection method: clinical testing. Allele origin: germline.

Labcorp Genetics (formerly Invitae), Labcorp
Classification: Benign for Developmental and epileptic encephalopathy, 2; Angelman syndrome-like. Last evaluated: 2026-01-15. Review status: criteria provided, single submitter. Criteria: Invitae Variant Classification Sherloc (09022015). Collection method: clinical testing. Allele origin: germline.

CeGaT Center for Human Genetics Tuebingen
Classification: Likely benign. Last evaluated: 2025-11-01. Review status: criteria provided, single submitter. Criteria: CeGaT Center For Human Genetics Tuebingen Variant Classification Criteria Version 2. Collection method: clinical testing. Allele origin: germline. Affected: yes. Observed: 2 variant alleles.
Comment: CDKL5: BP4, BP7, BS2

Blueprint Genetics
Classification: Likely benign. Last evaluated: 2024-09-11. Review status: criteria provided, single submitter. Criteria: ACMG Guidelines, 2015. Collection method: clinical testing. Allele origin: germline.

Ambry Genetics
Classification: Benign for Inborn genetic diseases. Last evaluated: 2018-01-23. Review status: criteria provided, single submitter. Criteria: Ambry Variant Classification Scheme 2023. Collection method: clinical testing. Allele origin: germline.

Eurofins Ntd Llc (ga)
Classification: Benign. Last evaluated: 2016-06-23. Review status: criteria provided, single submitter. Criteria: EGL Classification Definitions 2015. Collection method: clinical testing. Allele origin: germline. Observed: 1 variant allele, 1 hemizygote.

GeneDx
Classification: Benign. Last evaluated: 2013-02-07. Review status: criteria provided, single submitter. Criteria: GeneDx Variant Classification (06012015). Collection method: clinical testing. Allele origin: germline. Affected: yes.
Comment: This variant is considered likely benign or benign based on one or more of the following criteria: it is a conservative change, it occurs at a poorly conserved position in the protein, it is predicted to be benign by multiple in silico algorithms, and/or has population frequency not consistent with disease.

Breakthrough Genomics
Classification: Benign. Review status: criteria provided, single submitter. Criteria: ACMG Guidelines, 2015. Collection method: not provided. Allele origin: germline. Inheritance: X-linked inheritance. Affected: yes.